The following is an entry in ClinVar:

NM_001145252.3(CFP):c.985C>T (p.Arg329Ter)

Gene: CFP (complement factor properdin; minus strand). Cytogenetic location: Xp11.23.
Variant type: single nucleotide variant.
Coding change: c.985C>T on transcript NM_001145252.3 (MANE Select); coding-DNA position 985, C replaced by T.
Protein change: p.Arg329Ter; replaces arginine 329 with a stop codon.
Molecular consequence: nonsense.
Genome position (GRCh38, 1-based): chrX:47,626,475, G>A on the plus strand (C>T on the coding strand, the complement: CFP is on the minus strand). VCF-style: chrX-47626475-G-A. GRCh37 (hg19) VCF-style: chrX-47485874-G-A.
Other names: c.985C>T, p.Arg329Ter (NM_002621.2); short protein forms R329*.
Identifiers: ClinVar variation 1686559 (VCV001686559.3), dbSNP rs1603083122, ClinGen allele CA412835689.

ClinVar aggregate classification (germline): Conflicting classifications of pathogenicity. Review status: criteria provided, conflicting classifications (1 of 4 stars). 2 submissions from 2 submitters: Pathogenic (1); Uncertain significance (1). Last evaluated 2024-12-13.

Submissions (2):

Labcorp Genetics (formerly Invitae), Labcorp
Classification: Pathogenic. Last evaluated: 2024-12-13. Review status: criteria provided, single submitter. Criteria: Invitae Variant Classification Sherloc (09022015). Collection method: clinical testing. Allele origin: germline.
Comment: This sequence change creates a premature translational stop signal (p.Arg329*) in the CFP gene. It is expected to result in an absent or disrupted protein product. Loss-of-function variants in CFP are known to be pathogenic (PMID: 8530058, 9476131, 10698340, 10909851, 19328743, 22229731). This variant is not present in population databases (gnomAD no frequency). This variant has not been reported in the literature in individuals affected with CFP-related conditions. ClinVar contains an entry for this variant (Variation ID: 1686559). For these reasons, this variant has been classified as Pathogenic.

Mendelics
Classification: Uncertain significance. Last evaluated: 2022-05-04. Review status: criteria provided, single submitter. Criteria: Mendelics Assertion Criteria 2019. Collection method: clinical testing. Allele origin: germline.

Literature cited by the submitters: PubMed 8530058 (cited by Labcorp Genetics (formerly Invitae), Labcorp); PubMed 9476131 (cited by Labcorp Genetics (formerly Invitae), Labcorp); PubMed 10698340 (cited by Labcorp Genetics (formerly Invitae), Labcorp); PubMed 10909851 (cited by Labcorp Genetics (formerly Invitae), Labcorp); PubMed 19328743 (cited by Labcorp Genetics (formerly Invitae), Labcorp); PubMed 22229731 (cited by Labcorp Genetics (formerly Invitae), Labcorp).